The following is an entry in ClinVar:

NM_201384.3(PLEC):c.1127C>T (p.Ala376Val)

Gene: PLEC (plectin; minus strand). Cytogenetic location: 8q24.3.
Variant type: single nucleotide variant.
Coding change: c.1127C>T on transcript NM_201384.3 (MANE Select); coding-DNA position 1127, C replaced by T.
Protein change: p.Ala376Val; replaces alanine 376 with valine.
Molecular consequence: missense variant.
Genome position (GRCh38, 1-based): chr8:143,934,360, G>A on the plus strand (C>T on the coding strand, the complement: PLEC is on the minus strand). VCF-style: chr8-143934360-G-A. GRCh37 (hg19) VCF-style: chr8-145008528-G-A.
Other names: c.1208C>T, p.Ala403Val (NM_000445.5); c.1085C>T, p.Ala362Val (NM_201378.4); c.1061C>T, p.Ala354Val (NM_201379.3); c.1538C>T, p.Ala513Val (NM_201380.4); c.1031C>T, p.Ala344Val (NM_201381.3); c.1127C>T, p.Ala376Val (NM_201382.4); c.1139C>T, p.Ala380Val (NM_201383.3); short protein forms A354V, A380V, A403V, A362V, A376V, A344V, A513V.
Identifiers: ClinVar variation 538944 (VCV000538944.6), dbSNP rs1554720663, ClinGen allele CA372584675.

ClinVar aggregate classification (germline): Uncertain significance (1 of 4 stars; one submission).

Conditions:
Epidermolysis bullosa simplex with nail dystrophy (EBS5D). Identifiers: MedGen C4225309, MONDO:0014661, OMIM 616487.
Epidermolysis bullosa simplex 5B, with muscular dystrophy (EBS5B). Also called: EPIDERMOLYSIS BULLOSA SIMPLEX AND LIMB-GIRDLE MUSCULAR DYSTROPHY; Epidermolysis bullosa simplex with muscular dystrophy. Identifiers: Orphanet 257, MedGen C2931072, MONDO:0009181, OMIM 226670.
Epidermolysis bullosa simplex, Ogna type (EBS5A). Also called: Pidermolysis bullosa simplex 5A, Ogna type; EPIDERMOLYSIS BULLOSA SIMPLEX 5A, OGNA TYPE. Identifiers: Orphanet 79401, MedGen C0432317, MONDO:0007555, OMIM 131950.
Autosomal recessive limb-girdle muscular dystrophy type 2Q (LGMDR17). Also called: MUSCULAR DYSTROPHY, LIMB-GIRDLE, AUTOSOMAL RECESSIVE 17. Identifiers: Orphanet 254361, MedGen C3150989, MONDO:0013390, OMIM 613723.
Epidermolysis bullosa simplex 5C, with pyloric atresia (EBS5C). Also called: PLEC-Related Epidermolysis Bullosa with Pyloric Atresia; Epidermolysis bullosa simplex with pyloric atresia; PLEC1-Related Epidermolysis Bullosa with Pyloric Atresia. Identifiers: Orphanet 158684, MedGen C2677349, MONDO:0012807, OMIM 612138.

Submission:

Labcorp Genetics (formerly Invitae), Labcorp
Classification: Uncertain significance for Autosomal recessive limb-girdle muscular dystrophy type 2Q; Epidermolysis bullosa simplex, Ogna type; Epidermolysis bullosa simplex with nail dystrophy; Epidermolysis bullosa simplex 5C, with pyloric atresia; Epidermolysis bullosa simplex 5B, with muscular dystrophy. Last evaluated: 2022-02-11. Review status: criteria provided, single submitter. Criteria: Invitae Variant Classification Sherloc (09022015). Collection method: clinical testing. Allele origin: germline.
Comment: This variant is not present in population databases (gnomAD no frequency). This sequence change replaces alanine, which is neutral and non-polar, with valine, which is neutral and non-polar, at codon 403 of the PLEC protein (p.Ala403Val). In summary, the available evidence is currently insufficient to determine the role of this variant in disease. Therefore, it has been classified as a Variant of Uncertain Significance. Algorithms developed to predict the effect of missense changes on protein structure and function are either unavailable or do not agree on the potential impact of this missense change (SIFT: "Deleterious"; PolyPhen-2: "Not Available"; Align-GVGD: "Class C0"). ClinVar contains an entry for this variant (Variation ID: 538944). This variant has not been reported in the literature in individuals affected with PLEC-related conditions.